The following is an entry in ClinVar:

ClinVar aggregate classification (germline): Uncertain significance (1 of 4 stars; one submission).

gnomAD v4.1: 1 of 1,614,102 alleles (0.000062%); highest among the groups gnomAD compares: Non-Finnish European, 0.000085%; no homozygotes.

Submission:

Women's Health and Genetics/Laboratory Corporation of America, LabCorp
Classification: Uncertain significance. Last evaluated: 2023-10-06. Review status: criteria provided, single submitter. Criteria: LabCorp Variant Classification Summary - May 2015. Collection method: clinical testing. Allele origin: germline.
Comment: Variant summary: PANK2 c.746G>C (p.Arg249Pro) results in a non-conservative amino acid change in the encoded protein sequence. Five of five in-silico tools predict a damaging effect of the variant on protein function. The variant was absent in 251336 control chromosomes (gnomAD). The available data on variant occurrences in the general population are insufficient to allow any conclusion about variant significance. c.746G>C has been reported in the literature in at least one individual affected with HallervordenSpatz Syndrome (e.g., Hayflick_2003). This report does not provide unequivocal conclusions about association of the variant with Pantothenate Kinase-Associated Neurodegeneration. To our knowledge, no experimental evidence demonstrating an impact on protein function has been reported. The following publication was ascertained in the context of this evaluation (PMID: 12510040). No submitters have reported clinical-significance assessments for this variant to ClinVar after 2014. Based on the evidence outlined above, the variant was classified as uncertain significance.

Literature cited by the submitters: PubMed 12510040.

NM_001386393.1(PANK2):c.416G>C (p.Arg139Pro)

Gene: PANK2 (pantothenate kinase 2; plus strand). Cytogenetic location: 20p13.
Variant type: single nucleotide variant.
Coding change: c.416G>C on transcript NM_001386393.1 (MANE Select); coding-DNA position 416, G replaced by C.
Protein change: p.Arg139Pro; replaces arginine 139 with proline.
Molecular consequence: missense variant. On other transcripts: 5 prime UTR variant (4), non-coding transcript variant (1).
Genome position (GRCh38, 1-based): chr20:3,908,043, G>C. VCF-style: chr20-3908043-G-C. GRCh37 (hg19) VCF-style: chr20-3888690-G-C.
Other names: c.-128G>C (NM_001324191.2, NM_024960.6, NM_153640.4); c.746G>C, p.Arg249Pro (NM_001324192.1, NM_153638.4); c.-420G>C (NM_001324193.2); short protein forms R139P, R249P.
Identifiers: ClinVar variation 2637624 (VCV002637624.1), dbSNP rs1336557784, ClinGen allele CA408112404.
Genomic context (GRCh38, chr20:3,908,043, plus strand): 5'-AACCCAAAGACATCACTGCTGAAGAAGAAGAGGAAGAAGTGGAAAGTCTTAAAAGCATTC[G>C]GAAGTACCTGACCTCCAATGTGGCTTATGGGTCTACAGGCATTCGGGACGTGCACCTCGA-3'
Protein context (NP_001373322.1, residues 129-149): EEEVESLKSI[Arg139Pro]KYLTSNVAYG